The following is an entry in ClinVar:

ClinVar aggregate classification (germline): Uncertain significance (1 of 4 stars; one submission).

Allele frequency attached by ClinVar (database versions not stated): ExAC 0.00002; 1000 Genomes Project 30x 0.00016; 1000 Genomes Project 0.00020.
gnomAD v4.1: 30 of 1,614,144 alleles (0.0019%); highest among the groups gnomAD compares: Admixed American, 0.01%; no homozygotes.

Submission:

GeneDx
Classification: Uncertain significance. Last evaluated: 2023-04-19. Review status: criteria provided, single submitter. Criteria: GeneDx Variant Classification Process June 2021. Collection method: clinical testing. Allele origin: germline. Affected: yes.
Comment: In silico analysis supports that this missense variant does not alter protein structure/function; Has not been previously published as pathogenic or benign to our knowledge

NM_052867.4(NALCN):c.2552G>A (p.Arg851Gln)

Gene: NALCN (sodium leak channel, non-selective; minus strand). Cytogenetic location: 13q33.1.
Variant type: single nucleotide variant.
Coding change: c.2552G>A on transcript NM_052867.4 (MANE Select); coding-DNA position 2552, G replaced by A.
Protein change: p.Arg851Gln; replaces arginine 851 with glutamine.
Molecular consequence: missense variant.
Genome position (GRCh38, 1-based): chr13:101,107,514, C>T on the plus strand (G>A on the coding strand, the complement: NALCN is on the minus strand). VCF-style: chr13-101107514-C-T. GRCh37 (hg19) VCF-style: chr13-101759865-C-T.
Other names: c.2639G>A, p.Arg880Gln (NM_001350748.2); c.2552G>A, p.Arg851Gln (NM_001350749.2); c.2465G>A, p.Arg822Gln (NM_001350750.2, NM_001350751.2); short protein forms R822Q, R851Q, R880Q.
Identifiers: ClinVar variation 2501985 (VCV002501985.1), dbSNP rs201701394, ClinGen allele CA7035675.